The following is an entry in ClinVar:

ClinVar aggregate classification (germline): Benign/Likely benign. Review status: criteria provided, multiple submitters, no conflicts (2 of 4 stars). 5 submissions from 5 submitters: Benign (4); Likely benign (1). Last evaluated 2023-07-07.

Conditions:
Pancreatic cancer, susceptibility to, 1. Identifiers: Orphanet 1333, MedGen C1847351, MONDO:0011739, OMIM 606856.

Allele frequency attached by ClinVar (database versions not stated): gnomAD exomes 0.00853; ExAC 0.00883; 1000 Genomes Project 0.01597; 1000 Genomes Project 30x 0.01624; TOPMed 0.01666; gnomAD 0.01744 and 0.01852; ESP Exome Variant Server 0.01838.
gnomAD v4.1: 10,145 of 1,605,352 alleles (0.63%); highest among the groups gnomAD compares: African/African-American, 4.5%; 138 homozygotes.

Submissions (14):

KCCC/NGS Laboratory, Kuwait Cancer Control Center
Classification: Likely benign for Pancreatic cancer, susceptibility to, 1. Last evaluated: 2023-07-07. Review status: criteria provided, single submitter. Criteria: ACMG Guidelines, 2015. Collection method: clinical testing. Allele origin: germline. Affected: yes.

Ambry Genetics
Classification: Benign. Last evaluated: 2020-07-30. Review status: criteria provided, single submitter. Criteria: Ambry Variant Classification Scheme 2023. Collection method: clinical testing. Allele origin: germline.

Illumina Laboratory Services, Illumina
Classification: Benign for Pancreatic cancer, susceptibility to, 1. Last evaluated: 2018-01-13. Review status: criteria provided, single submitter. Criteria: ICSL Variant Classification Criteria 13 December 2019. Collection method: clinical testing. Allele origin: germline.
Comment: This variant was observed in the ICSL laboratory as part of a predisposition screen in an ostensibly healthy population. It had not been previously curated by ICSL or reported in the Human Gene Mutation Database (HGMD: prior to June 1st, 2018), and was therefore a candidate for classification through an automated scoring system. Utilizing variant allele frequency, disease prevalence and penetrance estimates, and inheritance mode, an automated score was calculated to assess if this variant is too frequent to cause the disease. Based on the score and internal cut-off values, a variant classified as benign is not then subjected to further curation. The score for this variant resulted in a classification of benign for this disease.

GeneDx
Classification: Benign. Last evaluated: 2015-03-03. Review status: criteria provided, single submitter. Criteria: GeneDx Variant Classification Process June 2021. Collection method: clinical testing. Allele origin: germline. Affected: yes.

Breakthrough Genomics
Classification: Benign. Review status: criteria provided, single submitter. Criteria: ACMG Guidelines, 2015. Collection method: not provided. Allele origin: germline. Inheritance: Autosomal dominant inheritance. Affected: yes.

Dr. Peter K. Rogan Lab, Western University
No classification provided (evidence only). Condition: Melanoma. Review status: no classification provided. Collection method: in vitro. Allele origin: not applicable. Functional consequence: retained intron. Not counted in ClinVar's aggregate classification.

Dr. Peter K. Rogan Lab, Western University
No classification provided (evidence only). Condition: Acute myeloid leukemia. Review status: no classification provided. Collection method: in vitro. Allele origin: not applicable. Functional consequence: retained intron. Not counted in ClinVar's aggregate classification.

Dr. Peter K. Rogan Lab, Western University
No classification provided (evidence only). Condition: Uterine corpus endometrial carcinoma. Review status: no classification provided. Collection method: in vitro. Allele origin: not applicable. Functional consequence: retained intron. Not counted in ClinVar's aggregate classification.

Dr. Peter K. Rogan Lab, Western University
No classification provided (evidence only). Condition: Cervical cancer. Review status: no classification provided. Collection method: in vitro. Allele origin: not applicable. Functional consequence: skipped exon, retained intron. Not counted in ClinVar's aggregate classification.

Dr. Peter K. Rogan Lab, Western University
No classification provided (evidence only). Condition: Cervical cancer. Review status: no classification provided. Collection method: in vitro. Allele origin: not applicable. Functional consequence: retained intron. Not counted in ClinVar's aggregate classification.

Dr. Peter K. Rogan Lab, Western University
No classification provided (evidence only). Condition: Cervical cancer. Review status: no classification provided. Collection method: in vitro. Allele origin: not applicable. Functional consequence: retained intron. Not counted in ClinVar's aggregate classification.

Dr. Peter K. Rogan Lab, Western University
No classification provided (evidence only). Condition: Sarcoma. Review status: no classification provided. Collection method: in vitro. Allele origin: not applicable. Functional consequence: retained intron. Not counted in ClinVar's aggregate classification.

Dr. Peter K. Rogan Lab, Western University
No classification provided (evidence only). Condition: Gastric cancer. Review status: no classification provided. Collection method: in vitro. Allele origin: not applicable. Functional consequence: skipped exon, retained intron. Not counted in ClinVar's aggregate classification.

Dr. Peter K. Rogan Lab, Western University
No classification provided (evidence only). Condition: Gastric cancer. Review status: no classification provided. Collection method: in vitro. Allele origin: not applicable. Functional consequence: retained intron. Not counted in ClinVar's aggregate classification.

NM_001166108.2(PALLD):c.3359-4G>A

Genes: CBR4 (carbonyl reductase 4; minus strand), PALLD (palladin, cytoskeletal associated protein; plus strand). Cytogenetic location: 4q32.3.
Variant type: single nucleotide variant.
Coding change: c.3359-4G>A on transcript NM_001166108.2 (MANE Select); 4 bases into the intron before coding-DNA position 3359, G replaced by A.
Molecular consequence: intron variant.
Genome position (GRCh38, 1-based): chr4:168,925,229, G>A. VCF-style: chr4-168925229-G-A. GRCh37 (hg19) VCF-style: chr4-169846380-G-A.
Other names: NC_000004.11:g.169846380G>A; c.3308-4G>A (NM_016081.4); c.2161+151G>A (NM_001166109.2); c.1846+151G>A (NM_001166110.2); c.1238-4G>A (NM_001367570.1); c.1237+151G>A (NM_001367568.1); c.1187-4G>A (NM_001367567.1); c.1186+151G>A (NM_001367569.1).
Identifiers: ClinVar variation 348047 (VCV000348047.12), dbSNP rs112116419, ClinGen allele CA3136120.
Genomic context (GRCh38, chr4:168,925,229, plus strand): 5'-AACAACTATTGTGTTTTATTTGTCAAAAAAATTCATATTGCTCTCTCTCTCTTTCTATTT[G>A]TAGTTTCTCGACATTAATAGTGAACCACACCAGGAGAACAAATACCCAAGTATCATTCAG-3'